The following is an entry in ClinVar:

NM_001276345.2(TNNT2):c.719+1G>C

Gene: TNNT2 (troponin T2, cardiac type; minus strand). Cytogenetic location: 1q32.1.
Variant type: single nucleotide variant.
Coding change: c.719+1G>C on transcript NM_001276345.2 (MANE Select); the canonical splice donor site of the intron after coding-DNA position 719, G replaced by C.
Molecular consequence: splice donor variant.
Genome position (GRCh38, 1-based): chr1:201,361,912, C>G on the plus strand (G>C on the coding strand, the complement: TNNT2 is on the minus strand). VCF-style: chr1-201361912-C-G. GRCh37 (hg19) VCF-style: chr1-201331040-C-G.
Other names: c.680+1G>C (NM_001406727.1, NM_001001431.3, NM_001406726.1); c.689+1G>C (NM_001406724.1, NM_001001430.3, NM_001276347.2); c.671+1G>C (NM_001001432.3); c.674+1G>C (NM_001406728.1); c.686+1G>C (NM_001406725.1); c.590+1G>C (NM_001276346.2); c.710+1G>C (NM_000364.4, NM_001406723.1).
Identifiers: ClinVar variation 1307997 (VCV001307997.5), dbSNP rs1169197265, ClinGen allele CA088312.

ClinVar aggregate classification (germline): Uncertain significance. Review status: criteria provided, multiple submitters, no conflicts (2 of 4 stars). 2 submissions from 2 submitters: Uncertain significance (2). Last evaluated 2026-01-11.

Conditions:
Hypertrophic cardiomyopathy 2. Also called: TNNT2-Related Familial Hypertrophic Cardiomyopathy. Identifiers: MedGen C1861864, MONDO:0007266, OMIM 115195.
Cardiomyopathy, familial restrictive, 3. Identifiers: Orphanet 75249, MedGen C2676271, MONDO:0012900, OMIM 612422.
Dilated cardiomyopathy 1D. Identifiers: Orphanet 154, Orphanet 54260, MedGen C1832243, MONDO:0011095, OMIM 601494.

Submissions (2):

Labcorp Genetics (formerly Invitae), Labcorp
Classification: Uncertain significance for Cardiomyopathy, familial restrictive, 3; Hypertrophic cardiomyopathy 2; Dilated cardiomyopathy 1D. Last evaluated: 2026-01-11. Review status: criteria provided, single submitter. Criteria: Invitae Variant Classification Sherloc (09022015). Collection method: clinical testing. Allele origin: germline.
Comment: This sequence change affects a donor splice site in intron 13 of the TNNT2 gene. It is expected to disrupt RNA splicing. Variants that disrupt the donor or acceptor splice site typically lead to a loss of protein function (PMID: 16199547), however the current clinical and genetic evidence is not sufficient to establish whether loss-of-function variants in TNNT2 cause disease. This variant is not present in population databases (gnomAD no frequency). This variant has not been reported in the literature in individuals affected with TNNT2-related conditions. ClinVar contains an entry for this variant (Variation ID: 1307997). Algorithms developed to predict the effect of sequence changes on RNA splicing suggest that this variant may disrupt the consensus splice site. In summary, the available evidence is currently insufficient to determine the role of this variant in disease. Therefore, it has been classified as a Variant of Uncertain Significance.

GeneDx
Classification: Uncertain significance. Last evaluated: 2019-08-21. Review status: criteria provided, single submitter. Criteria: GeneDx Variant Classification Process June 2021. Collection method: clinical testing. Allele origin: germline. Affected: yes.
Comment: Has not been previously published as pathogenic or benign to our knowledge; Not observed in large population cohorts (Lek et al., 2016); Canonical splice site variant in a gene for which loss-of-function is not a known mechanism of disease; In the absence of RNA/functional studies, the actual effect of this sequence change is unknown

Literature cited by the submitters: PubMed 16199547 (cited by Labcorp Genetics (formerly Invitae), Labcorp).